The following is an entry in ClinVar:

NM_001379286.1(ZNF423):c.3517-13G>A

Gene: ZNF423 (zinc finger protein 423; minus strand). Cytogenetic location: 16q12.1.
Variant type: single nucleotide variant.
Coding change: c.3517-13G>A on transcript NM_001379286.1 (MANE Select); 13 bases into the intron before coding-DNA position 3517, G replaced by A.
Molecular consequence: intron variant.
Genome position (GRCh38, 1-based): chr16:49,626,267, C>T on the plus strand (G>A on the coding strand, the complement: ZNF423 is on the minus strand). VCF-style: chr16-49626267-C-T. GRCh37 (hg19) VCF-style: chr16-49660178-C-T.
Other names: c.3493-13G>A (NM_015069.5); c.3142-13G>A (NM_001330533.2); c.3313-13G>A (NM_001271620.2).
Identifiers: ClinVar variation 1349832 (VCV001349832.6), dbSNP rs2151865206, ClinGen allele CA2573152362.

ClinVar aggregate classification (germline): Uncertain significance (1 of 4 stars; one submission).

Conditions:
Nephronophthisis 14 (NPHP14). Identifiers: Orphanet 2318, MedGen C3539071, MONDO:0013916, OMIM 614844.

Submission:

Labcorp Genetics (formerly Invitae), Labcorp
Classification: Uncertain significance for Nephronophthisis 14. Last evaluated: 2022-10-03. Review status: criteria provided, single submitter. Criteria: Invitae Variant Classification Sherloc (09022015). Collection method: clinical testing. Allele origin: germline.
Comment: This variant has not been reported in the literature in individuals affected with ZNF423-related conditions. This variant is not present in population databases (gnomAD no frequency). This sequence change falls in intron 4 of the ZNF423 gene. It does not directly change the encoded amino acid sequence of the ZNF423 protein. ClinVar contains an entry for this variant (Variation ID: 1349832). In summary, the available evidence is currently insufficient to determine the role of this variant in disease. Therefore, it has been classified as a Variant of Uncertain Significance. Algorithms developed to predict the effect of sequence changes on RNA splicing suggest that this variant may disrupt the consensus splice site.